The following is an entry in ClinVar:

NM_001267550.2(TTN):c.24706G>A (p.Glu8236Lys)

Gene: TTN (titin; minus strand). Cytogenetic location: 2q31.2.
Variant type: single nucleotide variant.
Coding change: c.24706G>A on transcript NM_001267550.2 (MANE Select); coding-DNA position 24706, G replaced by A.
Protein change: p.Glu8236Lys; replaces glutamic acid 8236 with lysine.
Molecular consequence: missense variant. On other transcripts: intron variant (3).
Genome position (GRCh38, 1-based): chr2:178,718,400, C>T on the plus strand (G>A on the coding strand, the complement: TTN is on the minus strand). VCF-style: chr2-178718400-C-T. GRCh37 (hg19) VCF-style: chr2-179583127-C-T.
Other names: c.20974G>A, p.Glu6992Lys (NM_133378.4); c.23755G>A, p.Glu7919Lys (NM_001256850.1); c.13282+19682G>A (NM_003319.4); c.13858+19682G>A (NM_133437.4); c.13657+19682G>A (NM_133432.3); short protein forms E8236K, E6992K, E7919K.
Identifiers: ClinVar variation 46740 (VCV000046740.12), dbSNP rs377762626, ClinGen allele CA139083.

ClinVar aggregate classification (germline): Uncertain significance. Review status: criteria provided, multiple submitters, no conflicts (2 of 4 stars). 5 submissions from 5 submitters: Uncertain significance (5). Last evaluated 2026-02-10.

Conditions:
TTN-related disorder. Also called: TTN-related condition; TTN-related disease; TTN-related disorders.
Autosomal recessive limb-girdle muscular dystrophy type 2J (LGMDR10). Also called: Limb-girdle muscular dystrophy, type 2J; MUSCULAR DYSTROPHY, LIMB-GIRDLE, AUTOSOMAL RECESSIVE 10. Identifiers: Orphanet 140922, MedGen C1837342, MONDO:0012127, OMIM 608807.
Dilated cardiomyopathy 1G (CMD1G). Identifiers: Orphanet 154, MedGen C1858763, MONDO:0011400, OMIM 604145.

Allele frequency attached by ClinVar (database versions not stated): ESP Exome Variant Server 0.00008; 1000 Genomes Project 30x 0.00016; 1000 Genomes Project 0.00020; gnomAD 0.00001; gnomAD exomes 0.00001 and 0.00002; TOPMed 0.00001; ExAC 0.00003.
gnomAD v4.1: 16 of 1,613,810 alleles (0.00099%); highest among the groups gnomAD compares: South Asian, 0.0044%; no homozygotes.

Submissions (5):

PreventionGenetics, part of Exact Sciences
Classification: Uncertain significance for TTN-related condition. Last evaluated: 2026-02-10. Review status: criteria provided, single submitter. Criteria: ACMG Guidelines, 2015. Collection method: clinical testing. Allele origin: germline.
Comment: The TTN c.24706G>A variant is predicted to result in the amino acid substitution p.Glu8236Lys. To our knowledge, this variant has not been reported in the literature. This variant is reported in 0.0065% of alleles in individuals of South Asian descent in gnomAD. At this time, the clinical significance of this variant is uncertain due to the absence of conclusive functional and genetic evidence.

Revvity Omics, Revvity
Classification: Uncertain significance. Last evaluated: 2020-08-25. Review status: criteria provided, single submitter. Criteria: ACMG Guidelines, 2015. Collection method: clinical testing. Allele origin: germline.

Athena Diagnostics
Classification: Uncertain significance. Last evaluated: 2018-05-09. Review status: criteria provided, single submitter. Criteria: Athena Diagnostics Criteria. Collection method: clinical testing. Allele origin: germline.

Labcorp Genetics (formerly Invitae), Labcorp
Classification: Uncertain significance for Dilated cardiomyopathy 1G; Autosomal recessive limb-girdle muscular dystrophy type 2J. Last evaluated: 2016-11-08. Review status: criteria provided, single submitter. Criteria: Invitae Variant Classification Sherloc (09022015). Collection method: clinical testing. Allele origin: germline.

Laboratory for Molecular Medicine, Mass General Brigham Personalized Medicine
Classification: Uncertain significance. Last evaluated: 2012-02-14. Review status: criteria provided, single submitter. Criteria: LMM Criteria. Collection method: clinical testing. Allele origin: germline. Observed: 1 variant allele.
Comment: The Glu6992Lys variant (TTN) has been identified in 1/6626 European American chr omosomes by the NHLBI Exome Sequencing Project in a broad population (.). Computational analyses (biochemical amino acid properti es, conservation, AlignGVGD, and SIFT) do not provide strong support for or agai nst an impact to the protein. Additional information is needed to fully assess t he clinical significance of the Glu6992Lys variant.